The following is an entry in ClinVar:

ClinVar aggregate classification (germline): Pathogenic/Likely pathogenic. Review status: criteria provided, multiple submitters, no conflicts (2 of 4 stars). 5 submissions from 5 submitters: Pathogenic (3); Likely pathogenic (1). 1 of the submissions does not count toward it. Last evaluated 2025-11-24.

Conditions:
Hereditary cancer-predisposing syndrome. Also called: Hereditary Cancer Syndrome; Hereditary neoplastic syndrome; Neoplastic Syndromes, Hereditary; Tumor predisposition. Identifiers: Orphanet 140162, MedGen C0027672, MeSH D009386, MONDO:0015356.
Familial adenomatous polyposis 1 (FAP1). Also called: FAMILIAL ADENOMATOUS POLYPOSIS 1, ATTENUATED; POLYPOSIS, ADENOMATOUS INTESTINAL. Identifiers: MedGen C2713442, MONDO:0021056, OMIM 175100. Disease mechanism: loss of function.

Submissions (5):

Ambry Genetics
Classification: Pathogenic for Hereditary cancer-predisposing syndrome. Last evaluated: 2025-11-24. Review status: criteria provided, single submitter. Criteria: Ambry Variant Classification Scheme 2023. Collection method: clinical testing. Allele origin: germline.
Comment: The c.1409-1G>T intronic pathogenic mutation results from a G to T substitution one nucleotide upstream from coding exon 11 of the APC gene. This variant was reported in individuals with features consistent with APC-related familial adenomatous polyposis (Lagarde A et al. J. Med. Genet., 2010 Oct;47:721-2; Ambry internal data). This variant is considered to be rare based on population cohorts in the Genome Aggregation Database (gnomAD). This nucleotide position is highly conserved in available vertebrate species. In addition, in silico splice site analysis predicts that this alteration will weaken the native splice acceptor site and will result in the creation or strengthening of a novel splice acceptor site. Alterations that disrupt the canonical splice site are expected to cause aberrant splicing, resulting in an abnormal protein or a transcript that is subject to nonsense-mediated mRNA decay. As such, this alteration is classified as a disease-causing mutation.

Myriad Genetics, Inc.
Classification: Likely pathogenic for Familial adenomatous polyposis 1. Last evaluated: 2023-05-01. Review status: criteria provided, single submitter. Criteria: Myriad Autosomal Dominant, Autosomal Recessive and X-Linked Classification Criteria (2023). Collection method: clinical testing. Allele origin: unknown.
Comment: This variant is considered likely pathogenic. This variant occurs within a consensus splice junction and is predicted to result in abnormal mRNA splicing of either an out-of-frame exon or an in-frame exon necessary for protein stability and/or normal function.

Labcorp Genetics (formerly Invitae), Labcorp
Classification: Pathogenic for Familial adenomatous polyposis 1. Last evaluated: 2022-07-19. Review status: criteria provided, single submitter. Criteria: Invitae Variant Classification Sherloc (09022015). Collection method: clinical testing. Allele origin: germline.
Comment: For these reasons, this variant has been classified as Pathogenic. Studies have shown that disruption of this splice site is associated with altered splicing resulting in multiple RNA products (Invitae). ClinVar contains an entry for this variant (Variation ID: 217927). Disruption of this splice site has been observed in individuals with familial adenomatous polyposis (PMID: 950360, 15459959, 19036155, 20685668; Invitae). This variant is not present in population databases (gnomAD no frequency). This sequence change affects an acceptor splice site in intron 11 of the APC gene. It is expected to disrupt RNA splicing. Variants that disrupt the donor or acceptor splice site typically lead to a loss of protein function (PMID: 16199547), and loss-of-function variants in APC are known to be pathogenic (PMID: 17963004, 20685668).

GeneDx
Classification: Pathogenic. Last evaluated: 2017-09-12. Review status: criteria provided, single submitter. Criteria: GeneDx Variant Classification (06012015). Collection method: clinical testing. Allele origin: germline. Affected: yes.
Comment: This variant is denoted APC c.1409-1G>T or IVS11-1G>T and consists of a G>T nucleotide substitutionat the -1 position of intron 11 of the APC gene. This variant destroys a canonical splice acceptor site and is predicted tocause abnormal gene splicing, leading to either an abnormal message that is subject to nonsense-mediated mRNAdecay or to an abnormal protein product. This variant has been reported in at least one individual with familialadenomatous polyposis (Lagarde 2010). Based on the current evidence, we consider this variant to be pathogenic

Mayo Clinic Laboratories, Mayo Clinic
Classification: Pathogenic. Review status: no assertion criteria provided. Collection method: research. Allele origin: unknown. Observed: 1 variant allele. Not counted in ClinVar's aggregate classification.

Literature cited by the submitters: PubMed 20685668 (cited by Ambry Genetics and Labcorp Genetics (formerly Invitae), Labcorp); PubMed 950360 (cited by Labcorp Genetics (formerly Invitae), Labcorp); PubMed 15459959 (cited by Labcorp Genetics (formerly Invitae), Labcorp); PubMed 19036155 (cited by Labcorp Genetics (formerly Invitae), Labcorp); PubMed 16199547 (cited by Labcorp Genetics (formerly Invitae), Labcorp); PubMed 17963004 (cited by Labcorp Genetics (formerly Invitae), Labcorp).

NM_000038.6(APC):c.1409-1G>T

Gene: APC (APC regulator of Wnt signaling pathway; plus strand). Cytogenetic location: 5q22.2.
Variant type: single nucleotide variant.
Coding change: c.1409-1G>T on transcript NM_000038.6 (MANE Select); the canonical splice acceptor site of the intron before coding-DNA position 1409, G replaced by T.
Molecular consequence: splice acceptor variant.
Genome position (GRCh38, 1-based): chr5:112,827,107, G>T. VCF-style: chr5-112827107-G-T. GRCh37 (hg19) VCF-style: chr5-112162804-G-T.
Other names: c.560-1G>T (NM_001407470.1, NM_001354906.2); c.257-1G>T (NM_001407472.1, NM_001407471.1); c.1463-1G>T (NM_001407447.1, NM_001407448.1, NM_001407449.1 and 1 more transcripts); c.1409-1G>T (NM_001354895.2, NM_001407450.1, NM_001127510.3); c.1160-1G>T (NM_001407456.1, NM_001407457.1, NM_001407455.1 and 1 more transcripts); c.1106-1G>T (NM_001407460.1, NM_001407458.1, NM_001407459.1 and 1 more transcripts); c.1379-1G>T (NM_001407452.1); c.1022-1G>T (NM_001407469.1, NM_001407467.1); and 11 more.
Identifiers: ClinVar variation 217927 (VCV000217927.23), dbSNP rs863225313, ClinGen allele CA279831.